The following is an entry in ClinVar:

ClinVar aggregate classification (germline): Uncertain significance (1 of 4 stars; one submission).

Conditions:
Chédiak-Higashi syndrome (CHS). Also called: Chediak-Higashi Syndrome. Identifiers: Orphanet 167, MedGen C0007965, MONDO:0008963, OMIM 214500.

Allele frequency attached by ClinVar (database versions not stated): gnomAD exomes below 0.00001; TOPMed below 0.00001; gnomAD 0.00001.
gnomAD v4.1: 3 of 1,613,620 alleles (0.00019%); highest among the groups gnomAD compares: South Asian, 0.0033%; no homozygotes.

Submission:

Labcorp Genetics (formerly Invitae), Labcorp
Classification: Uncertain significance for Chédiak-Higashi syndrome. Last evaluated: 2022-08-03. Review status: criteria provided, single submitter. Criteria: Invitae Variant Classification Sherloc (09022015). Collection method: clinical testing. Allele origin: germline.
Comment: Algorithms developed to predict the effect of missense changes on protein structure and function output the following: SIFT: "Tolerated"; PolyPhen-2: "Benign"; Align-GVGD: "Class C0". The alanine amino acid residue is found in multiple mammalian species, which suggests that this missense change does not adversely affect protein function. This variant has not been reported in the literature in individuals affected with LYST-related conditions. This variant is not present in population databases (gnomAD no frequency). This sequence change replaces threonine, which is neutral and polar, with alanine, which is neutral and non-polar, at codon 2335 of the LYST protein (p.Thr2335Ala). In summary, the available evidence is currently insufficient to determine the role of this variant in disease. Therefore, it has been classified as a Variant of Uncertain Significance.

NM_000081.4(LYST):c.7003A>G (p.Thr2335Ala)

Gene: LYST (lysosomal trafficking regulator; minus strand). Cytogenetic location: 1q42.3.
Variant type: single nucleotide variant.
Coding change: c.7003A>G on transcript NM_000081.4 (MANE Select); coding-DNA position 7003, A replaced by G.
Protein change: p.Thr2335Ala; replaces threonine 2335 with alanine.
Molecular consequence: missense variant.
Genome position (GRCh38, 1-based): chr1:235,757,337, T>C on the plus strand (A>G on the coding strand, the complement: LYST is on the minus strand). VCF-style: chr1-235757337-T-C. GRCh37 (hg19) VCF-style: chr1-235920637-T-C.
Other names: c.7003A>G, p.Thr2335Ala (NM_001301365.1); short protein forms T2335A.
Identifiers: ClinVar variation 2202436 (VCV002202436.2), dbSNP rs1667135791, ClinGen allele CA344936239.